The following is an entry in ClinVar:

ClinVar aggregate classification (germline): Uncertain significance (1 of 4 stars; one submission).

Conditions:
FG syndrome (FGS). Identifiers: MedGen C0220769, MONDO:0002010.

Submission:

Labcorp Genetics (formerly Invitae), Labcorp
Classification: Uncertain significance for FG syndrome. Last evaluated: 2025-02-12. Review status: criteria provided, single submitter. Criteria: Invitae Variant Classification Sherloc (09022015). Collection method: clinical testing. Allele origin: germline.
Comment: This sequence change replaces alanine, which is neutral and non-polar, with threonine, which is neutral and polar, at codon 121 of the MED12 protein (p.Ala121Thr). This variant is not present in population databases (gnomAD no frequency). This variant has not been reported in the literature in individuals affected with MED12-related conditions. Invitae Evidence Modeling of protein sequence and biophysical properties (such as structural, functional, and spatial information, amino acid conservation, physicochemical variation, residue mobility, and thermodynamic stability) has been performed for this missense variant. However, the output from this modeling did not meet the statistical confidence thresholds required to predict the impact of this variant on MED12 protein function. In summary, the available evidence is currently insufficient to determine the role of this variant in disease. Therefore, it has been classified as a Variant of Uncertain Significance.

NM_005120.3(MED12):c.361G>A (p.Ala121Thr)

Gene: MED12 (mediator complex subunit 12; plus strand). Cytogenetic location: Xq13.1.
Variant type: single nucleotide variant.
Coding change: c.361G>A on transcript NM_005120.3 (MANE Select); coding-DNA position 361, G replaced by A.
Protein change: p.Ala121Thr; replaces alanine 121 with threonine.
Molecular consequence: missense variant.
Genome position (GRCh38, 1-based): chrX:71,119,842, G>A. VCF-style: chrX-71119842-G-A. GRCh37 (hg19) VCF-style: chrX-70339692-G-A.
Other names: short protein forms A121T.
Identifiers: ClinVar variation 4801059 (VCV004801059.1).